The following is an entry in ClinVar:

ClinVar aggregate classification (germline): Benign/Likely benign. Review status: criteria provided, multiple submitters, no conflicts (2 of 4 stars). 3 submissions from 3 submitters: Benign (1); Likely benign (2). Last evaluated 2024-06-13.

Conditions:
Ataxia-telangiectasia syndrome (AT). Also called: Ataxia telangiectasia (A-T); ATAXIA-TELANGIECTASIA, COMPLEMENTATION GROUP A; ATAXIA-TELANGIECTASIA, FRESNO VARIANT; Ataxia-telangiectasia; Ataxia-telangiectasia, complementation group E; LOUIS-BAR SYNDROME. Identifiers: Orphanet 100, MedGen C0004135, MONDO:0008840, OMIM 208900.
Hereditary cancer-predisposing syndrome. Also called: Neoplastic Syndromes, Hereditary; Tumor predisposition; Hereditary Cancer Syndrome; Hereditary neoplastic syndrome. Identifiers: Orphanet 140162, MedGen C0027672, MeSH D009386, MONDO:0015356.
Familial cancer of breast. Also called: Hereditary breast cancer; hereditary breast carcinoma; BREAST CANCER, FAMILIAL. Identifiers: Orphanet 227535, MedGen C0346153, MONDO:0016419, OMIM 114480. Disease mechanism: loss of function.

Allele frequency attached by ClinVar (database versions not stated): gnomAD exomes below 0.00001; ExAC 0.00001; gnomAD 0.00001.
gnomAD v4.1: 2 of 1,613,976 alleles (0.00012%); highest among the groups gnomAD compares: Non-Finnish European, 0.00017%; no homozygotes.

Submissions (3):

Myriad Genetics, Inc.
Classification: Benign for Familial cancer of breast. Last evaluated: 2024-06-13. Review status: criteria provided, single submitter. Criteria: Myriad Autosomal Dominant, Autosomal Recessive and X-Linked Classification Criteria (2023). Collection method: clinical testing. Allele origin: unknown.
Comment: This variant is considered benign. This variant is a silent/synonymous amino acid change and it is not expected to impact splicing.

Labcorp Genetics (formerly Invitae), Labcorp
Classification: Likely benign for Ataxia-telangiectasia syndrome. Last evaluated: 2024-04-27. Review status: criteria provided, single submitter. Criteria: Invitae Variant Classification Sherloc (09022015). Collection method: clinical testing. Allele origin: germline.

Ambry Genetics
Classification: Likely benign for Hereditary cancer-predisposing syndrome. Last evaluated: 2022-03-02. Review status: criteria provided, single submitter. Criteria: Ambry Variant Classification Scheme 2023. Collection method: clinical testing. Allele origin: germline.

NM_000051.4(ATM):c.7110T>C (p.Asn2370=)

Genes: C11orf65 (chromosome 11 open reading frame 65; minus strand), ATM (ATM serine/threonine kinase; plus strand). Cytogenetic location: 11q22.3.
Variant type: single nucleotide variant.
Coding change: c.7110T>C on transcript NM_000051.4 (MANE Select); coding-DNA position 7110, T replaced by C.
Protein change: p.Asn2370=; no amino-acid change (asparagine 2370 retained).
Molecular consequence: synonymous variant. On other transcripts: intron variant (2).
Genome position (GRCh38, 1-based): chr11:108,329,041, T>C. VCF-style: chr11-108329041-T-C. GRCh37 (hg19) VCF-style: chr11-108199768-T-C.
Other names: c.7110T>C, p.Asn2370= (NM_001351834.2); c.641-19970A>G (NM_001330368.2); c.*38+6179A>G (NM_001351110.2).
Identifiers: ClinVar variation 1099503 (VCV001099503.12), dbSNP rs752476328, ClinGen allele CA6266070.